The following is an entry in ClinVar:

NM_001267550.2(TTN):c.47143_47146dup (p.Phe15716Ter)

Genes: TTN-AS1 (TTN antisense RNA 1; plus strand), TTN (titin; minus strand). Cytogenetic location: 2q31.2.
Variant type: Duplication.
Coding change: c.47143_47146dup on transcript NM_001267550.2 (MANE Select); coding-DNA positions 47143 to 47146, 4 bases duplicated (GAGT; older notation c.47143_47146dupGAGT).
Protein change: p.Phe15716Ter; replaces phenylalanine 15716 with a stop codon.
Molecular consequence: nonsense.
Genome position (GRCh38, 1-based): chr2:178,618,312-178,618,315, ACTC duplicated on the plus strand (GAGT on the coding strand, the reverse complement: TTN is on the minus strand); duplicating any 4 consecutive bases within chr2:178,618,312-178,618,317 gives the same sequence; the c. name uses the placement nearest the transcript's 3' end. VCF-style (leftmost placement, unchanged base first): chr2-178618311-A-AACTC. GRCh37 (hg19) VCF-style: chr2-179483038-A-AACTC.
Other names: c.42220_42223dup, p.Phe14075Ter (NM_001256850.1); c.19948_19951dup, p.Phe6651Ter (NM_003319.4); c.39439_39442dup, p.Phe13148Ter (NM_133378.4); c.20323_20326dup, p.Phe6776Ter (NM_133432.3); c.20524_20527dup, p.Phe6843Ter (NM_133437.4); short protein forms F13148*, F14075*, F15716*, F6651*, F6776*, F6843*.
Identifiers: ClinVar variation 1068221 (VCV001068221.9), dbSNP rs1422071853, ClinGen allele CA761292249.

ClinVar aggregate classification (germline): Likely pathogenic (1 of 4 stars; one submission).

Conditions:
Dilated cardiomyopathy 1G (CMD1G). Identifiers: Orphanet 154, MedGen C1858763, MONDO:0011400, OMIM 604145.
Autosomal recessive limb-girdle muscular dystrophy type 2J (LGMDR10). Also called: Limb-girdle muscular dystrophy, type 2J; MUSCULAR DYSTROPHY, LIMB-GIRDLE, AUTOSOMAL RECESSIVE 10. Identifiers: Orphanet 140922, MedGen C1837342, MONDO:0012127, OMIM 608807.

Submission:

Labcorp Genetics (formerly Invitae), Labcorp
Classification: Likely pathogenic for Dilated cardiomyopathy 1G; Autosomal recessive limb-girdle muscular dystrophy type 2J. Last evaluated: 2020-05-21. Review status: criteria provided, single submitter. Criteria: Invitae Variant Classification Sherloc (09022015). Collection method: clinical testing. Allele origin: germline.
Comment: This sequence change results in a premature translational stop signal in the TTN gene (p.Phe15716*). While this is not anticipated to result in nonsense mediated decay, it is expected to create a truncated TTN protein. This variant is not present in population databases (ExAC no frequency). This variant has been observed in individual(s) with early onset atrial fibrillation (PMID: 30535219). This variant is located in the A band of TTN (PMID: 25589632). Truncating variants in this region are significantly overrepresented in patients affected with dilated cardiomyopathy (PMID: 25589632). Truncating variants in this region have also been reported in individuals affected with autosomal recessive centronuclear myopathy (PMID: 23975875). In summary, the currently available evidence indicates that the variant is pathogenic, but additional data are needed to prove that conclusively. Therefore, this variant has been classified as Likely Pathogenic.

Literature cited by the submitters: PubMed 30535219; PubMed 25589632; PubMed 23975875.